The following is an entry in ClinVar:

ClinVar aggregate classification (germline): Uncertain significance. Review status: criteria provided, multiple submitters, no conflicts (2 of 4 stars). 2 submissions from 2 submitters: Uncertain significance (2). Last evaluated 2022-05-12.

Conditions:
Amelogenesis imperfecta type 1G (AI1G). Also called: AMELOGENESIS IMPERFECTA, TYPE IG; ENAMEL-RENAL-GINGIVAL SYNDROME; AMELOGENESIS IMPERFECTA, HYPOPLASTIC, WITH NEPHROCALCINOSIS; Amelogenesis imperfecta-gingival hyperplasia syndrome; Amelogenesis imperfecta hypoplastic type, IG; Amelogenesis imperfecta and nephrocalcinosis. Identifiers: Orphanet 1031, Orphanet 171836, MedGen C2931783, MONDO:0008771, OMIM 204690. Disease mechanism: loss of function.

Allele frequency attached by ClinVar (database versions not stated): gnomAD exomes 0.00003 and 0.00006; gnomAD 0.00019 and 0.00018; 1000 Genomes Project 0.00020; ESP Exome Variant Server 0.00023; ExAC 0.00006; 1000 Genomes Project 30x 0.00031.
gnomAD v4.1: 84 of 1,613,608 alleles (0.0052%); highest among the groups gnomAD compares: African/African-American, 0.052%; no homozygotes.

Submissions (2):

Fulgent Genetics
Classification: Uncertain significance for Amelogenesis imperfecta type 1G. Last evaluated: 2022-05-12. Review status: criteria provided, single submitter. Criteria: ACMG Guidelines, 2015. Collection method: clinical testing. Allele origin: unknown.

Labcorp Genetics (formerly Invitae), Labcorp
Classification: Uncertain significance. Last evaluated: 2021-08-14. Review status: criteria provided, single submitter. Criteria: Invitae Variant Classification Sherloc (09022015). Collection method: clinical testing. Allele origin: germline.
Comment: This sequence change replaces arginine with glutamine at codon 176 of the FAM20A protein (p.Arg176Gln). The arginine residue is moderately conserved and there is a small physicochemical difference between arginine and glutamine. This variant is present in population databases (rs140917285, ExAC 0.06%). This variant has not been reported in the literature in individuals affected with FAM20A-related conditions. Algorithms developed to predict the effect of missense changes on protein structure and function are either unavailable or do not agree on the potential impact of this missense change (SIFT: "Tolerated"; PolyPhen-2: "Possibly Damaging"; Align-GVGD: "Class C0"). Algorithms developed to predict the effect of sequence changes on RNA splicing suggest that this variant may create or strengthen a splice site. In summary, the available evidence is currently insufficient to determine the role of this variant in disease. Therefore, it has been classified as a Variant of Uncertain Significance.

NM_017565.4(FAM20A):c.527G>A (p.Arg176Gln)

Gene: FAM20A (FAM20A golgi associated secretory pathway pseudokinase; minus strand). Cytogenetic location: 17q24.2.
Variant type: single nucleotide variant.
Coding change: c.527G>A on transcript NM_017565.4 (MANE Select); coding-DNA position 527, G replaced by A.
Protein change: p.Arg176Gln; replaces arginine 176 with glutamine.
Molecular consequence: missense variant. On other transcripts: non-coding transcript variant (1).
Genome position (GRCh38, 1-based): chr17:68,555,621, C>T on the plus strand (G>A on the coding strand, the complement: FAM20A is on the minus strand). VCF-style: chr17-68555621-C-T. GRCh37 (hg19) VCF-style: chr17-66551762-C-T.
Other names: c.113G>A, p.Arg38Gln (NM_001243746.2); short protein forms R38Q, R176Q.
Identifiers: ClinVar variation 1408291 (VCV001408291.6), dbSNP rs140917285, ClinGen allele CA8730047.